The following is an entry in ClinVar:

ClinVar aggregate classification (germline): Uncertain significance (1 of 4 stars; one submission).

Allele frequency attached by ClinVar (database versions not stated): gnomAD exomes below 0.00001.
gnomAD v4.1: 1 of 1,614,188 alleles (0.000062%); highest among the groups gnomAD compares: Non-Finnish European, 0.000085%; no homozygotes.

Submission:

GeneDx
Classification: Uncertain significance. Last evaluated: 2023-03-23. Review status: criteria provided, single submitter. Criteria: GeneDx Variant Classification Process June 2021. Collection method: clinical testing. Allele origin: germline. Affected: yes.
Comment: Not observed at significant frequency in large population cohorts (gnomAD); In silico analysis supports that this missense variant has a deleterious effect on protein structure/function; Has not been previously published as pathogenic or benign to our knowledge

NM_000316.3(PTH1R):c.502A>G (p.Ser168Gly)

Gene: PTH1R (parathyroid hormone 1 receptor; plus strand). Cytogenetic location: 3p21.31.
Variant type: single nucleotide variant.
Coding change: c.502A>G on transcript NM_000316.3 (MANE Select); coding-DNA position 502, A replaced by G.
Protein change: p.Ser168Gly; replaces serine 168 with glycine.
Molecular consequence: missense variant.
Genome position (GRCh38, 1-based): chr3:46,898,151, A>G. VCF-style: chr3-46898151-A-G. GRCh37 (hg19) VCF-style: chr3-46939641-A-G.
Other names: c.502A>G, p.Ser168Gly (NM_001184744.1); short protein forms S168G.
Identifiers: ClinVar variation 2580655 (VCV002580655.1), dbSNP rs2545037604, ClinGen allele CA352495400.
Genomic context (GRCh38, chr3:46,898,151, plus strand): 5'-TGTGACCGCAATGGCAGCTGGGAGCTGGTGCCTGGGCACAACAGGACGTGGGCCAACTAC[A>G]GCGAGTGTGTCAAATTTCTCACCAATGAGACTCGTGAACGGGTGCGAGCCTTTCTCCTCC-3'
Protein context (NP_000307.1, residues 158-178): PGHNRTWANY[Ser168Gly]ECVKFLTNET